The following is an entry in ClinVar:

ClinVar aggregate classification (germline): Uncertain significance (1 of 4 stars; one submission).

Conditions:
Cornelia de Lange syndrome 3 (CDLS3). Also called: SMC3-Related Cornelia de Lange Syndrome; CORNELIA DE LANGE SYNDROME 3 WITH OR WITHOUT MIDLINE BRAIN DEFECTS. Identifiers: Orphanet 199, MedGen C1853099, MONDO:0012555, OMIM 610759.

Submission:

Labcorp Genetics (formerly Invitae), Labcorp
Classification: Uncertain significance for Cornelia de Lange syndrome 3. Last evaluated: 2025-12-19. Review status: criteria provided, single submitter. Criteria: Invitae Variant Classification Sherloc (09022015). Collection method: clinical testing. Allele origin: germline.
Comment: This sequence change replaces arginine, which is basic and polar, with isoleucine, which is neutral and non-polar, at codon 818 of the SMC3 protein (p.Arg818Ile). This variant is not present in population databases (gnomAD no frequency). This variant has not been reported in the literature in individuals affected with SMC3-related conditions. Invitae Evidence Modeling of protein sequence and biophysical properties (such as structural, functional, and spatial information, amino acid conservation, physicochemical variation, residue mobility, and thermodynamic stability) has been performed for this missense variant. However, the output from this modeling did not meet the statistical confidence thresholds required to predict the impact of this variant on SMC3 protein function. In summary, the available evidence is currently insufficient to determine the role of this variant in disease. Therefore, it has been classified as a Variant of Uncertain Significance.

NM_005445.4(SMC3):c.2453G>T (p.Arg818Ile)

Gene: SMC3 (structural maintenance of chromosomes 3; plus strand). Cytogenetic location: 10q25.2.
Variant type: single nucleotide variant.
Coding change: c.2453G>T on transcript NM_005445.4 (MANE Select); coding-DNA position 2453, G replaced by T.
Protein change: p.Arg818Ile; replaces arginine 818 with isoleucine.
Molecular consequence: missense variant.
Genome position (GRCh38, 1-based): chr10:110,600,464, G>T. VCF-style: chr10-110600464-G-T. GRCh37 (hg19) VCF-style: chr10-112360222-G-T.
Other names: short protein forms R818I.
Identifiers: ClinVar variation 4747143 (VCV004747143.1).